The following is an entry in ClinVar:

NM_000426.4(LAMA2):c.1672C>T (p.Gln558Ter)

Gene: LAMA2 (laminin subunit alpha 2; plus strand). Cytogenetic location: 6q22.33.
Variant type: single nucleotide variant.
Coding change: c.1672C>T on transcript NM_000426.4 (MANE Select); coding-DNA position 1672, C replaced by T.
Protein change: p.Gln558Ter; replaces glutamine 558 with a stop codon.
Molecular consequence: nonsense.
Genome position (GRCh38, 1-based): chr6:129,192,743, C>T. VCF-style: chr6-129192743-C-T. GRCh37 (hg19) VCF-style: chr6-129513888-C-T.
Other names: c.1672C>T, p.Gln558Ter (NM_001079823.2); short protein forms Q558*.
Identifiers: ClinVar variation 3385249 (VCV003385249.1).

ClinVar aggregate classification (germline): Pathogenic (1 of 4 stars; one submission).

Conditions:
LAMA2-related muscular dystrophy (LAMA2-RD). Also called: Laminin alpha 2-related dystrophy. Identifiers: MedGen C5679788, MONDO:0100228.

Submission:

Women's Health and Genetics/Laboratory Corporation of America, LabCorp
Classification: Pathogenic for LAMA2-related muscular dystrophy. Last evaluated: 2024-10-16. Review status: criteria provided, single submitter. Criteria: LabCorp Variant Classification Summary - May 2015. Collection method: clinical testing. Allele origin: germline.
Comment: Variant summary: LAMA2 c.1672C>T (p.Gln558X) results in a premature termination codon, predicted to cause a truncation of the encoded protein or absence of the protein due to nonsense mediated decay, which are commonly known mechanisms for disease. The variant was absent in 251428 control chromosomes. c.1672C>T has been reported in the literature in at least one compound heterozygous individual affected with Laminin Alpha 2-Related Dystrophy (Wang_2019). To our knowledge, no experimental evidence demonstrating an impact on protein function has been reported. The following publication has been ascertained in the context of this evaluation (PMID: 31404137). No submitters have cited clinical-significance assessments for this variant to ClinVar. Based on the evidence outlined above, the variant was classified as pathogenic.

Literature cited by the submitters: PubMed 31404137.